The following is an entry in ClinVar:

NM_017757.3(ZNF407):c.1235C>T (p.Ser412Leu)

Gene: ZNF407 (zinc finger protein 407; plus strand). Cytogenetic location: 18q22.3.
Variant type: single nucleotide variant.
Coding change: c.1235C>T on transcript NM_017757.3 (MANE Select); coding-DNA position 1235, C replaced by T.
Protein change: p.Ser412Leu; replaces serine 412 with leucine.
Molecular consequence: missense variant.
Genome position (GRCh38, 1-based): chr18:74,632,254, C>T. VCF-style: chr18-74632254-C-T. GRCh37 (hg19) VCF-style: chr18-72344210-C-T.
Other names: c.1235C>T, p.Ser412Leu (NM_001146189.1, NM_001146190.1, NM_001384475.1); short protein forms S412L.
Identifiers: ClinVar variation 709495 (VCV000709495.6), dbSNP rs114313623, ClinGen allele CA9000321.

ClinVar aggregate classification (germline): Benign. Review status: criteria provided, multiple submitters, no conflicts (2 of 4 stars). 3 submissions from 3 submitters: Benign (2). 1 of the submissions does not count toward it. Last evaluated 2018-10-29.

Conditions:
ZNF407-related disorder. Also called: ZNF407-related condition.

Allele frequency attached by ClinVar (database versions not stated): gnomAD exomes 0.00052; ExAC 0.00064; ESP Exome Variant Server 0.00142; 1000 Genomes Project 0.00160; 1000 Genomes Project 30x 0.00187; gnomAD 0.00197 and 0.00217; TOPMed 0.00219.
gnomAD v4.1: 599 of 1,613,912 alleles (0.037%); highest among the groups gnomAD compares: African/African-American, 0.64%; 7 homozygotes.

Submissions (3):

Labcorp Genetics (formerly Invitae), Labcorp
Classification: Benign. Last evaluated: 2018-10-29. Review status: criteria provided, single submitter. Criteria: Invitae Variant Classification Sherloc (09022015). Collection method: clinical testing. Allele origin: germline.

Breakthrough Genomics
Classification: Benign. Review status: criteria provided, single submitter. Criteria: ACMG Guidelines, 2015. Collection method: not provided. Allele origin: germline. Inheritance: Autosomal recessive inheritance. Affected: yes.

PreventionGenetics, part of Exact Sciences
Classification: Likely benign for ZNF407-related condition. Last evaluated: 2024-02-21. Review status: no assertion criteria provided. Collection method: clinical testing. Allele origin: germline. Not counted in ClinVar's aggregate classification.
Comment: This variant is classified as likely benign based on ACMG/AMP sequence variant interpretation guidelines (Richards et al. 2015 PMID: 25741868, with internal and published modifications).